The following is an entry in ClinVar:

NM_000540.3(RYR1):c.7252C>G (p.Leu2418Val)

Gene: RYR1 (ryanodine receptor 1; plus strand). Cytogenetic location: 19q13.2.
Variant type: single nucleotide variant.
Coding change: c.7252C>G on transcript NM_000540.3 (MANE Select); coding-DNA position 7252, C replaced by G.
Protein change: p.Leu2418Val; replaces leucine 2418 with valine.
Molecular consequence: missense variant.
Genome position (GRCh38, 1-based): chr19:38,499,945, C>G. VCF-style: chr19-38499945-C-G. GRCh37 (hg19) VCF-style: chr19-38990585-C-G.
Other names: c.7252C>G, p.Leu2418Val (NM_001042723.2); short protein forms L2418V.
Identifiers: ClinVar variation 1357112 (VCV001357112.8), dbSNP rs761917791, ClinGen allele CA405669256.
Genomic context (GRCh38, chr19:38,499,945, plus strand): 5'-CAACCCACCCACCTTCCCTGCAGCTTTGGTGAGGAACCGCCTGAAGAAAACCGGGTGCAC[C>G]TGGGACACGCCATCATGTCCTTCTATGCCGCCTTGATCGACCTGCTCGGACGCTGTGCAC-3'
Protein context (NP_000531.2, residues 2408-2428): EEPPEENRVH[Leu2418Val]GHAIMSFYAA

ClinVar aggregate classification (germline): Uncertain significance (1 of 4 stars; one submission).

Conditions:
RYR1-related disorder. Also called: RYR1-related condition; RYR1-related disorders. Identifiers: MedGen CN239331.

Submission:

Labcorp Genetics (formerly Invitae), Labcorp
Classification: Uncertain significance for RYR1-related disorder. Last evaluated: 2025-03-31. Review status: criteria provided, single submitter. Criteria: Invitae Variant Classification Sherloc (09022015). Collection method: clinical testing. Allele origin: germline.
Comment: This sequence change replaces leucine, which is neutral and non-polar, with valine, which is neutral and non-polar, at codon 2418 of the RYR1 protein (p.Leu2418Val). This variant is not present in population databases (gnomAD no frequency). This variant has not been reported in the literature in individuals affected with RYR1-related conditions. ClinVar contains an entry for this variant (Variation ID: 1357112). Invitae Evidence Modeling of protein sequence and biophysical properties (such as structural, functional, and spatial information, amino acid conservation, physicochemical variation, residue mobility, and thermodynamic stability) indicates that this missense variant is not expected to disrupt RYR1 protein function with a negative predictive value of 80%. In summary, the available evidence is currently insufficient to determine the role of this variant in disease. Therefore, it has been classified as a Variant of Uncertain Significance.